The following is an entry in ClinVar:

NM_000321.3(RB1):c.540-9G>C

Gene: RB1 (RB transcriptional corepressor 1; plus strand). Cytogenetic location: 13q14.2.
Variant type: single nucleotide variant.
Coding change: c.540-9G>C on transcript NM_000321.3 (MANE Select); 9 bases into the intron before coding-DNA position 540, G replaced by C.
Molecular consequence: intron variant.
Genome position (GRCh38, 1-based): chr13:48,348,947, G>C. VCF-style: chr13-48348947-G-C. GRCh37 (hg19) VCF-style: chr13-48923083-G-C.
Identifiers: ClinVar variation 458172 (VCV000458172.13), dbSNP rs1340503453, ClinGen allele CA609572939.
Genomic context (GRCh38, chr13:48,348,947, plus strand): 5'-ATATCTGGAAAACTTTCTTTCAGTGATACATTTTTCCTGTTTTTTTTCTGCTTTCTATTT[G>C]TTTAATAGGATATCTACTGAAATAAATTCTGCATTGGTGCTAAAAGTTTCTTGGATCACA-3'

ClinVar aggregate classification (germline): Likely benign. Review status: criteria provided, multiple submitters, no conflicts (2 of 4 stars). 3 submissions from 3 submitters: Likely benign (3). Last evaluated 2024-12-23.

Conditions:
Retinoblastoma (RB1). Also called: RETINOBLASTOMA, SOMATIC. Identifiers: Orphanet 790, MedGen C0035335, MeSH D012175, MONDO:0008380, OMIM 180200, HP:0009919. Disease mechanism: loss of function. Inheritance: Both sporadic and heritable forms are tested..

Allele frequency attached by ClinVar (database versions not stated): gnomAD exomes below 0.00001.
gnomAD v4.1: 4 of 1,589,100 alleles (0.00025%); highest among the groups gnomAD compares: East Asian, 0.0091%; no homozygotes.

Submissions (3):

Labcorp Genetics (formerly Invitae), Labcorp
Classification: Likely benign for Retinoblastoma. Last evaluated: 2024-12-23. Review status: criteria provided, single submitter. Criteria: Invitae Variant Classification Sherloc (09022015). Collection method: clinical testing. Allele origin: germline.

All of Us Research Program, National Institutes of Health
Classification: Likely benign for Retinoblastoma. Last evaluated: 2023-02-24. Review status: criteria provided, single submitter. Criteria: ACMG Guidelines, 2015. Collection method: clinical testing. Allele origin: germline. Inheritance: Autosomal dominant inheritance. Observed: 1 variant allele, 1 heterozygote.
Comment: This study involves interpretation of variants in research participants for the purpose of population health screening. Participant phenotype was not available at the time of variant classification. Additional details can be found in publication PMID: 35346344, PMCID: PMC8962531

Color Diagnostics, LLC DBA Color Health
Classification: Likely benign for Retinoblastoma. Last evaluated: 2022-04-26. Review status: criteria provided, single submitter. Criteria: ACMG Guidelines, 2015. Collection method: clinical testing. Allele origin: germline.